The following is an entry in ClinVar:

ClinVar aggregate classification (germline): Uncertain significance. Review status: criteria provided, multiple submitters, no conflicts (2 of 4 stars). 3 submissions from 3 submitters: Uncertain significance (3). Last evaluated 2026-09-11.

Conditions:
Familial thoracic aortic aneurysm and aortic dissection (TAAD). Also called: Thoracic aortic aneurysms and dissections. Identifiers: Orphanet 91387, MedGen C4707243, MONDO:0019625.
Ehlers-Danlos syndrome, type 4 (EDSVASC). Also called: Ehlers-Danlos syndrome vascular type; Ehlers Danlos syndrome, ecchymotic type; Ehlers Danlos syndrome, arterial type; Ehlers Danlos syndrome, Sack-Barabas type; Ehlers-Danlos Syndrome Type IV. Identifiers: Orphanet 286, MedGen C0268338, MONDO:0017314, OMIM 130050.

gnomAD v4.1: 3 of 1,614,132 alleles (0.00019%); highest among the groups gnomAD compares: African/African-American, 0.0013%; no homozygotes.

Submissions (3):

Ambry Genetics
Classification: Uncertain significance for Familial thoracic aortic aneurysm and aortic dissection. Last evaluated: 2026-09-11. Review status: criteria provided, single submitter. Criteria: Ambry Variant Classification Scheme 2023. Collection method: clinical testing. Allele origin: germline.
Comment: The p.A487S variant (also known as c.1459G>T), located in coding exon 21 of the COL3A1 gene, results from a G to T substitution at nucleotide position 1459. The alanine at codon 487 is replaced by serine, an amino acid with similar properties. This amino acid position is conserved. In addition, this alteration is predicted to be tolerated by in silico analysis. Based on the available evidence, the clinical significance of this variant remains unclear.

Labcorp Genetics (formerly Invitae), Labcorp
Classification: Uncertain significance for Ehlers-Danlos syndrome, type 4. Last evaluated: 2025-07-03. Review status: criteria provided, single submitter. Criteria: Invitae Variant Classification Sherloc (09022015). Collection method: clinical testing. Allele origin: germline.
Comment: This sequence change replaces alanine, which is neutral and non-polar, with serine, which is neutral and polar, at codon 487 of the COL3A1 protein (p.Ala487Ser). This variant is not present in population databases (gnomAD no frequency). This variant has not been reported in the literature in individuals affected with COL3A1-related conditions. ClinVar contains an entry for this variant (Variation ID: 439513). Invitae Evidence Modeling of protein sequence and biophysical properties (such as structural, functional, and spatial information, amino acid conservation, physicochemical variation, residue mobility, and thermodynamic stability) indicates that this missense variant is not expected to disrupt COL3A1 protein function with a negative predictive value of 95%. In summary, the available evidence is currently insufficient to determine the role of this variant in disease. Therefore, it has been classified as a Variant of Uncertain Significance.

ARUP Laboratories, Molecular Genetics and Genomics, ARUP Laboratories
Classification: Uncertain significance. Last evaluated: 2016-08-18. Review status: criteria provided, single submitter. Criteria: ARUP Molecular Germline Variant Investigation Process. Collection method: clinical testing. Allele origin: germline.

NM_000090.4(COL3A1):c.1459G>T (p.Ala487Ser)

Gene: COL3A1 (collagen type III alpha 1 chain; plus strand). Cytogenetic location: 2q32.2.
Variant type: single nucleotide variant.
Coding change: c.1459G>T on transcript NM_000090.4 (MANE Select); coding-DNA position 1459, G replaced by T.
Protein change: p.Ala487Ser; replaces alanine 487 with serine.
Molecular consequence: missense variant.
Genome position (GRCh38, 1-based): chr2:188,995,049, G>T. VCF-style: chr2-188995049-G-T. GRCh37 (hg19) VCF-style: chr2-189859775-G-T.
Other names: c.1459G>T (NM_000090.3); short protein forms A487S.
Identifiers: ClinVar variation 439513 (VCV000439513.10), dbSNP rs1553508027, ClinGen allele CA349851977.